The following is an entry in ClinVar:

NM_004525.3(LRP2):c.2455C>A (p.Arg819Ser)

Gene: LRP2 (LDL receptor related protein 2; minus strand). Cytogenetic location: 2q31.1.
Variant type: single nucleotide variant.
Coding change: c.2455C>A on transcript NM_004525.3 (MANE Select); coding-DNA position 2455, C replaced by A.
Protein change: p.Arg819Ser; replaces arginine 819 with serine.
Molecular consequence: missense variant.
Genome position (GRCh38, 1-based): chr2:169,259,083, G>T on the plus strand (C>A on the coding strand, the complement: LRP2 is on the minus strand). VCF-style: chr2-169259083-G-T. GRCh37 (hg19) VCF-style: chr2-170115593-G-T.
Other names: short protein forms R819S.
Identifiers: ClinVar variation 4992423 (VCV004992423.1).

ClinVar aggregate classification (germline): Uncertain significance (1 of 4 stars; one submission).

Conditions:
LRP2-related disorder. Also called: LRP2-related condition.

Submission:

PreventionGenetics, part of Exact Sciences
Classification: Uncertain significance for LRP2-related condition. Last evaluated: 2025-12-16. Review status: criteria provided, single submitter. Criteria: ACMG Guidelines, 2015. Collection method: clinical testing. Allele origin: germline.
Comment: The LRP2 c.2455C>A variant is predicted to result in the amino acid substitution p.Arg819Ser. To our knowledge, this variant has not been reported in the literature or in a large population database (gnomAD), indicating this variant is rare. At this time, the clinical significance of this variant is uncertain due to the absence of conclusive functional and genetic evidence.